The following is an entry in ClinVar:

ClinVar aggregate classification (germline): Likely benign (1 of 4 stars; one submission).

Conditions:
ABCC12-related condition.

gnomAD v4.1: 154 of 1,609,772 alleles (0.0096%); highest among the groups gnomAD compares: Middle Eastern, 0.099%; no homozygotes.

Submission:

PreventionGenetics, part of Exact Sciences
Classification: Likely benign for ABCC12-related condition. Last evaluated: 2025-12-26. Review status: criteria provided, single submitter. Criteria: ACMG Guidelines, 2015. Collection method: clinical testing. Allele origin: germline.
Comment: This variant is classified as likely benign based on ACMG/AMP sequence variant interpretation guidelines (Richards et al. 2015 PMID: 25741868, with internal and published modifications).

NM_001393797.1(ABCC12):c.3852C>T (p.Thr1284=)

Gene: ABCC12 (ATP binding cassette subfamily C member 12; minus strand). Cytogenetic location: 16q12.1.
Variant type: single nucleotide variant.
Coding change: c.3852C>T on transcript NM_001393797.1 (MANE Select); coding-DNA position 3852, C replaced by T.
Protein change: p.Thr1284=; no amino-acid change (threonine 1284 retained).
Molecular consequence: synonymous variant. On other transcripts: non-coding transcript variant (8).
Genome position (GRCh38, 1-based): chr16:48,084,050, G>A on the plus strand (C>T on the coding strand, the complement: ABCC12 is on the minus strand). VCF-style: chr16-48084050-G-A. GRCh37 (hg19) VCF-style: chr16-48117961-G-A.
Other names: c.381C>T, p.Thr127= (NM_001393798.1); c.474C>T, p.Thr158= (NM_001393799.1); c.3852C>T, p.Thr1284= (NM_033226.3).
Identifiers: ClinVar variation 4981470 (VCV004981470.1).
Genomic context (GRCh38, chr16:48,084,050, plus strand): 5'-CTTGAAGGCATCTTTGATGGTGTTCTGAACCAGGGTGTCAGTCTTGGAGTCCATAGAGGC[G>A]GTGGCTTCATCAAGGAGAATGATCTGTGGAGGAGGAAACATTATAAGCCAAAGGCGCACT-3'
Protein context (NP_001380726.1, residues 1274-1294): NSKIILLDEA[Thr1284=]ASMDSKTDTL